The following is an entry in ClinVar:

NM_006895.3(HNMT):c.354G>A (p.Glu118=)

Gene: HNMT (histamine N-methyltransferase; plus strand). Cytogenetic location: 2q22.1.
Variant type: single nucleotide variant.
Coding change: c.354G>A on transcript NM_006895.3 (MANE Select); coding-DNA position 354, G replaced by A.
Protein change: p.Glu118=; no amino-acid change (glutamic acid 118 retained).
Molecular consequence: synonymous variant.
Genome position (GRCh38, 1-based): chr2:138,002,119, G>A. VCF-style: chr2-138002119-G-A. GRCh37 (hg19) VCF-style: chr2-138759689-G-A.
Identifiers: ClinVar variation 720763 (VCV000720763.6), dbSNP rs200508858, ClinGen allele CA1891762.

ClinVar aggregate classification (germline): Benign. Review status: criteria provided, single submitter (1 of 4 stars). 2 submissions from 2 submitters: Benign (1). 1 of the submissions does not count toward it. Last evaluated 2019-12-31.

Conditions:
HNMT-related disorder. Also called: HNMT-related condition.

Allele frequency attached by ClinVar (database versions not stated): 1000 Genomes Project 30x 0.00016; ExAC 0.00027; TOPMed 0.00018; 1000 Genomes Project 0.00020; gnomAD exomes 0.00029; gnomAD 0.00011.
gnomAD v4.1: 152 of 1,603,566 alleles (0.0095%); highest among the groups gnomAD compares: East Asian, 0.29%; no homozygotes.

Submissions (2):

Labcorp Genetics (formerly Invitae), Labcorp
Classification: Benign. Last evaluated: 2019-12-31. Review status: criteria provided, single submitter. Criteria: Invitae Variant Classification Sherloc (09022015). Collection method: clinical testing. Allele origin: germline.

PreventionGenetics, part of Exact Sciences
Classification: Likely benign for HNMT-related condition. Last evaluated: 2019-08-07. Review status: no assertion criteria provided. Collection method: clinical testing. Allele origin: germline. Not counted in ClinVar's aggregate classification.
Comment: This variant is classified as likely benign based on ACMG/AMP sequence variant interpretation guidelines (Richards et al. 2015 PMID: 25741868, with internal and published modifications).